The following is an entry in ClinVar:

NM_014319.5(LEMD3):c.673G>C (p.Glu225Gln)

Gene: LEMD3 (LEM domain containing 3; plus strand). Cytogenetic location: 12q14.3.
Variant type: single nucleotide variant.
Coding change: c.673G>C on transcript NM_014319.5 (MANE Select); coding-DNA position 673, G replaced by C.
Protein change: p.Glu225Gln; replaces glutamic acid 225 with glutamine.
Molecular consequence: missense variant.
Genome position (GRCh38, 1-based): chr12:65,170,269, G>C. VCF-style: chr12-65170269-G-C. GRCh37 (hg19) VCF-style: chr12-65564049-G-C.
Other names: c.673G>C, p.Glu225Gln (NM_001167614.2); short protein forms E225Q.
Identifiers: ClinVar variation 310226 (VCV000310226.9), dbSNP rs886049776, ClinGen allele CA10642335.

ClinVar aggregate classification (germline): Uncertain significance. Review status: criteria provided, multiple submitters, no conflicts (2 of 4 stars). 2 submissions from 2 submitters: Uncertain significance (2). Last evaluated 2022-03-11.

Conditions:
Dermatofibrosis lenticularis disseminata (BOS). Also called: DERMATOFIBROSIS LENTICULARIS DISSEMINATA WITH OSTEOPOIKILOSIS; DERMATOOSTEOPOIKILOSIS; OSTEOPATHIA CONDENSANS DISSEMINATA. Identifiers: Orphanet 1306, MedGen C0265514, MONDO:0008157, OMIM 166700.

Allele frequency attached by ClinVar (database versions not stated): gnomAD exomes below 0.00001 and 0.00001; TOPMed below 0.00001; gnomAD 0.00001.
gnomAD v4.1: 3 of 1,565,080 alleles (0.00019%); highest among the groups gnomAD compares: Non-Finnish European, 0.00026%; no homozygotes.

Submissions (2):

Labcorp Genetics (formerly Invitae), Labcorp
Classification: Uncertain significance. Last evaluated: 2022-03-11. Review status: criteria provided, single submitter. Criteria: Invitae Variant Classification Sherloc (09022015). Collection method: clinical testing. Allele origin: germline.
Comment: In summary, the available evidence is currently insufficient to determine the role of this variant in disease. Therefore, it has been classified as a Variant of Uncertain Significance. Algorithms developed to predict the effect of missense changes on protein structure and function (SIFT, PolyPhen-2, Align-GVGD) all suggest that this variant is likely to be tolerated. ClinVar contains an entry for this variant (Variation ID: 310226). This variant has not been reported in the literature in individuals affected with LEMD3-related conditions. This variant is present in population databases (no rsID available, gnomAD 0.001%). This sequence change replaces glutamic acid, which is acidic and polar, with glutamine, which is neutral and polar, at codon 225 of the LEMD3 protein (p.Glu225Gln).

Illumina Laboratory Services, Illumina
Classification: Uncertain significance for Dermatofibrosis lenticularis disseminata. Last evaluated: 2018-01-13. Review status: criteria provided, single submitter. Criteria: ICSL Variant Classification Criteria 13 December 2019. Collection method: clinical testing. Allele origin: germline.